The following is an entry in ClinVar:

NM_005219.5(DIAPH1):c.2758T>G (p.Ser920Ala)

Gene: DIAPH1 (diaphanous related formin 1; minus strand). Cytogenetic location: 5q31.3.
Variant type: single nucleotide variant.
Coding change: c.2758T>G on transcript NM_005219.5 (MANE Select); coding-DNA position 2758, T replaced by G.
Protein change: p.Ser920Ala; replaces serine 920 with alanine.
Molecular consequence: missense variant.
Genome position (GRCh38, 1-based): chr5:141,529,192, A>C on the plus strand (T>G on the coding strand, the complement: DIAPH1 is on the minus strand). VCF-style: chr5-141529192-A-C. GRCh37 (hg19) VCF-style: chr5-140908759-A-C.
Other names: c.2731T>G, p.Ser911Ala (NM_001079812.3); c.2758T>G, p.Ser920Ala (NM_001314007.2); short protein forms S911A, S920A.
Identifiers: ClinVar variation 2942304 (VCV002942304.3), dbSNP rs746418816, ClinGen allele CA361585715.

ClinVar aggregate classification (germline): Uncertain significance (1 of 4 stars; one submission).

Conditions:
Progressive microcephaly-seizures-cortical blindness-developmental delay syndrome. Also called: Seizures, cortical blindness, and microcephaly syndrome. Identifiers: Orphanet 477814, MedGen C5567650, MONDO:0014714, OMIM 616632.
Autosomal dominant nonsyndromic hearing loss 1. Also called: KONIGSMARK SYNDROME; DEAFNESS, AUTOSOMAL DOMINANT 1, WITH OR WITHOUT THROMBOCYTOPENIA. Identifiers: Orphanet 90635, MedGen C1852282, MONDO:0007424, OMIM 124900.

Submission:

Labcorp Genetics (formerly Invitae), Labcorp
Classification: Uncertain significance for Progressive microcephaly-seizures-cortical blindness-developmental delay syndrome; Autosomal dominant nonsyndromic hearing loss 1. Last evaluated: 2022-12-14. Review status: criteria provided, single submitter. Criteria: Invitae Variant Classification Sherloc (09022015). Collection method: clinical testing. Allele origin: germline.
Comment: In summary, the available evidence is currently insufficient to determine the role of this variant in disease. Therefore, it has been classified as a Variant of Uncertain Significance. Algorithms developed to predict the effect of missense changes on protein structure and function (SIFT, PolyPhen-2, Align-GVGD) all suggest that this variant is likely to be tolerated. This variant has not been reported in the literature in individuals affected with DIAPH1-related conditions. This variant is not present in population databases (gnomAD no frequency). This sequence change replaces serine, which is neutral and polar, with alanine, which is neutral and non-polar, at codon 920 of the DIAPH1 protein (p.Ser920Ala).